The following is an entry in ClinVar:

ClinVar aggregate classification (germline): Likely pathogenic (1 of 4 stars; one submission).

Conditions:
Fanconi anemia (FA). Also called: Fanconi's anemia. Identifiers: Orphanet 84, MedGen C0015625, MeSH D005199, MONDO:0019391.

Submission:

Labcorp Genetics (formerly Invitae), Labcorp
Classification: Likely pathogenic for Fanconi anemia. Last evaluated: 2023-08-08. Review status: criteria provided, single submitter. Criteria: Invitae Variant Classification Sherloc (09022015). Collection method: clinical testing. Allele origin: germline.
Comment: In summary, the currently available evidence indicates that the variant is pathogenic, but additional data are needed to prove that conclusively. Therefore, this variant has been classified as Likely Pathogenic. Algorithms developed to predict the effect of sequence changes on RNA splicing suggest that this variant may disrupt the consensus splice site. This variant has not been reported in the literature in individuals affected with FANCD2-related conditions. This variant is not present in population databases (gnomAD no frequency). This sequence change affects a donor splice site in intron 38 of the FANCD2 gene. It is expected to disrupt RNA splicing. Variants that disrupt the donor or acceptor splice site typically lead to a loss of protein function (PMID: 16199547), and loss-of-function variants in FANCD2 are known to be pathogenic (PMID: 17436244).

Literature cited by the submitters: PubMed 16199547; PubMed 17436244.

NM_001018115.3(FANCD2):c.3849+1G>T

Genes: FANCD2 (FA complementation group D2; plus strand), FANCD2OS (FANCD2 opposite strand; minus strand). Cytogenetic location: 3p25.3.
Variant type: single nucleotide variant.
Coding change: c.3849+1G>T on transcript NM_001018115.3 (MANE Select); the canonical splice donor site of the intron after coding-DNA position 3849, G replaced by T.
Molecular consequence: splice donor variant. On other transcripts: intron variant (1).
Genome position (GRCh38, 1-based): chr3:10,092,253, G>T. VCF-style: chr3-10092253-G-T. GRCh37 (hg19) VCF-style: chr3-10133937-G-T.
Other names: c.3849+1G>T (NM_001319984.2, NM_033084.6, NM_001374254.1); c.3738+1G>T (NM_001374253.1); c.*44-10722C>A (NM_173472.2).
Identifiers: ClinVar variation 2749370 (VCV002749370.3), dbSNP rs2125086228, ClinGen allele CA351755876.